The following is an entry in ClinVar:

ClinVar aggregate classification (germline): Uncertain significance (1 of 4 stars; one submission).

gnomAD v4.1: 1 of 1,614,156 alleles (0.000062%); highest among the groups gnomAD compares: South Asian, 0.0011%; no homozygotes.

Submission:

Labcorp Genetics (formerly Invitae), Labcorp
Classification: Uncertain significance. Last evaluated: 2024-11-25. Review status: criteria provided, single submitter. Criteria: Invitae Variant Classification Sherloc (09022015). Collection method: clinical testing. Allele origin: germline.
Comment: This sequence change replaces asparagine, which is neutral and polar, with serine, which is neutral and polar, at codon 132 of the GALNT3 protein (p.Asn132Ser). This variant is not present in population databases (gnomAD no frequency). This variant has not been reported in the literature in individuals affected with GALNT3-related conditions. An algorithm developed to predict the effect of missense changes on protein structure and function outputs the following: PolyPhen-2: "Benign". The serine amino acid residue is found in multiple mammalian species, which suggests that this missense change does not adversely affect protein function. In summary, the available evidence is currently insufficient to determine the role of this variant in disease. Therefore, it has been classified as a Variant of Uncertain Significance.

NM_004482.4(GALNT3):c.395A>G (p.Asn132Ser)

Gene: GALNT3 (polypeptide N-acetylgalactosaminyltransferase 3; minus strand). Cytogenetic location: 2q24.3.
Variant type: single nucleotide variant.
Coding change: c.395A>G on transcript NM_004482.4 (MANE Select); coding-DNA position 395, A replaced by G.
Protein change: p.Asn132Ser; replaces asparagine 132 with serine.
Molecular consequence: missense variant.
Genome position (GRCh38, 1-based): chr2:165,770,306, T>C on the plus strand (A>G on the coding strand, the complement: GALNT3 is on the minus strand). VCF-style: chr2-165770306-T-C. GRCh37 (hg19) VCF-style: chr2-166626816-T-C.
Other names: short protein forms N132S.
Identifiers: ClinVar variation 3646241 (VCV003646241.2).